The following is an entry in ClinVar:

ClinVar aggregate classification (germline): Uncertain significance (1 of 4 stars; one submission).

Conditions:
Combined immunodeficiency due to LRBA deficiency. Also called: Common variable immunodeficiency 8, with autoimmunity. Identifiers: Orphanet 445018, MedGen C3553512, MONDO:0013863, OMIM 614700.

Submission:

Labcorp Genetics (formerly Invitae), Labcorp
Classification: Uncertain significance for Combined immunodeficiency due to LRBA deficiency. Last evaluated: 2022-03-27. Review status: criteria provided, single submitter. Criteria: Invitae Variant Classification Sherloc (09022015). Collection method: clinical testing. Allele origin: germline.
Comment: In summary, the available evidence is currently insufficient to determine the role of this variant in disease. Therefore, it has been classified as a Variant of Uncertain Significance. Algorithms developed to predict the effect of missense changes on protein structure and function are either unavailable or do not agree on the potential impact of this missense change (SIFT: "Tolerated"; PolyPhen-2: "Possibly Damaging"; Align-GVGD: "Class C0"). This variant has not been reported in the literature in individuals affected with LRBA-related conditions. This variant is present in population databases (no rsID available, gnomAD 0.0009%). This sequence change replaces glutamic acid, which is acidic and polar, with lysine, which is basic and polar, at codon 1900 of the LRBA protein (p.Glu1900Lys).

NM_001364905.1(LRBA):c.5698G>A (p.Glu1900Lys)

Gene: LRBA (LPS responsive beige-like anchor protein; minus strand). Cytogenetic location: 4q31.3.
Variant type: single nucleotide variant.
Coding change: c.5698G>A on transcript NM_001364905.1 (MANE Select); coding-DNA position 5698, G replaced by A.
Protein change: p.Glu1900Lys; replaces glutamic acid 1900 with lysine.
Molecular consequence: missense variant.
Genome position (GRCh38, 1-based): chr4:150,735,314, C>T on the plus strand (G>A on the coding strand, the complement: LRBA is on the minus strand). VCF-style: chr4-150735314-C-T. GRCh37 (hg19) VCF-style: chr4-151656466-C-T.
Other names: c.5698G>A, p.Glu1900Lys (NM_001199282.3, NM_001367550.1, NM_006726.5); short protein forms E1900K.
Identifiers: ClinVar variation 1942523 (VCV001942523.5), dbSNP rs1270837812, ClinGen allele CA358607728.